The following is an entry in ClinVar:

ClinVar aggregate classification (germline): Uncertain significance (1 of 4 stars; one submission).

Submission:

GeneDx
Classification: Uncertain significance. Last evaluated: 2024-08-06. Review status: criteria provided, single submitter. Criteria: GeneDx Variant Classification Process June 2021. Collection method: clinical testing. Allele origin: germline. Affected: yes.
Comment: Not observed at significant frequency in large population cohorts (gnomAD); In silico analysis indicates that this missense variant does not alter protein structure/function; Has not been previously published as pathogenic or benign to our knowledge

NM_001265.6(CDX2):c.514C>T (p.Pro172Ser)

Gene: CDX2 (caudal type homeobox 2; minus strand). Cytogenetic location: 13q12.2.
Variant type: single nucleotide variant.
Coding change: c.514C>T on transcript NM_001265.6 (MANE Select); coding-DNA position 514, C replaced by T.
Protein change: p.Pro172Ser; replaces proline 172 with serine.
Molecular consequence: missense variant.
Genome position (GRCh38, 1-based): chr13:27,968,493, G>A on the plus strand (C>T on the coding strand, the complement: CDX2 is on the minus strand). VCF-style: chr13-27968493-G-A. GRCh37 (hg19) VCF-style: chr13-28542630-G-A.
Other names: c.514C>T, p.Pro172Ser (NM_001354700.2); short protein forms P172S.
Identifiers: ClinVar variation 3602827 (VCV003602827.1).